The following is an entry in ClinVar:

NC_000009.12:g.(?_128242212)_(128247506_?)del

Genes: MIR199B (microRNA 199b; minus strand), MIR3154 (microRNA 3154; minus strand), DNM1 (dynamin 1; plus strand). Cytogenetic location: 9q34.11.
Variant type: Deletion.
Identifiers: ClinVar variation 647455 (VCV000647455.11).

ClinVar aggregate classification (germline): Uncertain significance (1 of 4 stars; one submission).

Conditions:
Developmental and epileptic encephalopathy, 31A. Also called: Developmental and epileptic encephalopathy, 31; Epileptic encephalopathy, early infantile, 31. Identifiers: Orphanet 2382, MedGen C4225357, MONDO:0014598, OMIM 616346.

Submission:

Labcorp Genetics (formerly Invitae), Labcorp
Classification: Uncertain significance for Developmental and epileptic encephalopathy, 31A. Last evaluated: 2020-03-04. Review status: criteria provided, single submitter. Criteria: Invitae Variant Classification Sherloc (09022015). Collection method: clinical testing. Allele origin: germline.
Comment: In summary, the available evidence is currently insufficient to determine the role of this variant in disease. Therefore, it has been classified as a Variant of Uncertain Significance. Experimental studies and prediction algorithms are not available for this variant, and the functional significance of the affected amino acid(s) is currently unknown. This variant has not been reported in the literature in individuals with DNM1-related disease. This variant is an in-frame deletion of the genomic region encompassing exons 15 to 17 of the DNM1 gene. It preserves the integrity of the reading frame.